The following is an entry in ClinVar:

NM_012308.3(KDM2A):c.1808C>G (p.Ser603Cys)

Gene: KDM2A (lysine demethylase 2A; plus strand). Cytogenetic location: 11q13.2.
Variant type: single nucleotide variant.
Coding change: c.1808C>G on transcript NM_012308.3 (MANE Select); coding-DNA position 1808, C replaced by G.
Protein change: p.Ser603Cys; replaces serine 603 with cysteine.
Molecular consequence: missense variant. On other transcripts: non-coding transcript variant (1).
Genome position (GRCh38, 1-based): chr11:67,245,433, C>G. VCF-style: chr11-67245433-C-G. GRCh37 (hg19) VCF-style: chr11-67012904-C-G.
Other names: c.491C>G, p.Ser164Cys (NM_001256405.2); short protein forms S164C, S603C.
Identifiers: ClinVar variation 4527078 (VCV004527078.1).

ClinVar aggregate classification (germline): Uncertain significance (1 of 4 stars; one submission).

Submission:

GeneDx
Classification: Uncertain significance. Last evaluated: 2025-03-31. Review status: criteria provided, single submitter. Criteria: GeneDx Variant Classification Process June 2021. Collection method: clinical testing. Allele origin: germline. Affected: yes.
Comment: Not observed at significant frequency in large population cohorts (gnomAD); In silico analysis supports that this missense variant has a deleterious effect on protein structure/function; Has not been previously published as pathogenic or benign to our knowledge; Variants in candidate genes are classified as variants of uncertain significance in accordance with ACMG guidelines (PMID: 25741868)